The following is an entry in ClinVar:

NM_002769.5(PRSS1):c.271G>C (p.Ala91Pro)

Genes: PRSS1 (serine protease 1; plus strand), TRB (T cell receptor beta locus; plus strand). Cytogenetic location: 7q34.
Variant type: single nucleotide variant.
Coding change: c.271G>C on transcript NM_002769.5 (MANE Select); coding-DNA position 271, G replaced by C.
Protein change: p.Ala91Pro; replaces alanine 91 with proline.
Molecular consequence: missense variant. On other transcripts: non-coding transcript variant (4).
Genome position (GRCh38, 1-based): chr7:142,751,844, G>C. VCF-style: chr7-142751844-G-C. GRCh37 (hg19) VCF-style: chr7-142459695-G-C.
Other names: short protein forms A91P.
Identifiers: ClinVar variation 4862587 (VCV004862587.1).

ClinVar aggregate classification (germline): Uncertain significance (1 of 4 stars; one submission).

Conditions:
Hereditary pancreatitis (PCTT). Also called: Hereditary chronic pancreatitis; PRSS1-Related Hereditary Pancreatitis. Identifiers: Orphanet 676, MedGen C0238339, MONDO:0008185, OMIM 167800.

Submission:

Ambry Genetics
Classification: Uncertain significance for Hereditary pancreatitis. Last evaluated: 2026-03-23. Review status: criteria provided, single submitter. Criteria: Ambry Variant Classification Scheme 2023. Collection method: clinical testing. Allele origin: germline.
Comment: The p.A91P variant (also known as c.271G>C), located in coding exon 3 of the PRSS1 gene, results from a G to C substitution at nucleotide position 271. The alanine at codon 91 is replaced by proline, an amino acid with highly similar properties. This amino acid position is conserved. In addition, the in silico prediction for this alteration is inconclusive. Based on the available evidence, the clinical significance of this variant remains unclear.